The following is an entry in ClinVar:

ClinVar aggregate classification (germline): Uncertain significance (1 of 4 stars; one submission).

Conditions:
Developmental and epileptic encephalopathy, 36 (DEE36). Also called: Congenital disorder of glycosylation, type Is; ALG13-CDG; Epileptic encephalopathy, early infantile, 36. Identifiers: Orphanet 324422, MedGen C4317295, MONDO:0010472, OMIM 300884.

Submission:

Labcorp Genetics (formerly Invitae), Labcorp
Classification: Uncertain significance for Epileptic encephalopathy, early infantile, 36. Last evaluated: 2019-08-02. Review status: criteria provided, single submitter. Criteria: Invitae Variant Classification Sherloc (09022015). Collection method: clinical testing. Allele origin: germline.
Comment: A gross duplication of the genomic region encompassing the full coding sequence of the ALG13 gene has been identified. The boundaries of this event are unknown as the duplication extends beyond the assayed region for this gene and therefore may encompass additional genes. As the precise location of this duplication is unknown, it may be in tandem or it may be located elsewhere in the genome. Entire sequence duplication of ALG13 has not been reported in the literature in individuals with a ALG13-related disease. In summary, the exact genomic location of this sequence change is unknown and the impact of this duplication on ALG13 protein function has not been established. Therefore, it has been classified as a Variant of Uncertain Significance.

NC_000023.11:g.(?_111301667)_(111760019_?)dup

Genes: ALG13 (ALG13 UDP-N-acetylglucosaminyltransferase subunit; plus strand), DCX (doublecortin; minus strand). Cytogenetic location: Xq23.
Variant type: Duplication.
Identifiers: ClinVar variation 833474 (VCV000833474.1).